The following is an entry in ClinVar:

NM_006914.4(RORB):c.515T>A (p.Met172Lys)

Gene: RORB (RAR related orphan receptor B; plus strand). Cytogenetic location: 9q21.13.
Variant type: single nucleotide variant.
Coding change: c.515T>A on transcript NM_006914.4 (MANE Select); coding-DNA position 515, T replaced by A.
Protein change: p.Met172Lys; replaces methionine 172 with lysine.
Molecular consequence: missense variant.
Genome position (GRCh38, 1-based): chr9:74,642,693, T>A. VCF-style: chr9-74642693-T-A. GRCh37 (hg19) VCF-style: chr9-77257609-T-A.
Other names: c.548T>A, p.Met183Lys (NM_001365023.1); short protein forms M172K, M183K.
Identifiers: ClinVar variation 1352898 (VCV001352898.7), dbSNP rs144622748, ClinGen allele CA5083386.

ClinVar aggregate classification (germline): Conflicting classifications of pathogenicity. Review status: criteria provided, conflicting classifications (1 of 4 stars). 3 submissions from 3 submitters: Uncertain significance (1); Likely benign (1). 1 of the submissions does not count toward it. Last evaluated 2025-04-09.

Conditions:
Inborn genetic diseases. Identifiers: MedGen C0950123, MeSH D030342.
Seizure. Also called: Seizures. Identifiers: MedGen C0036572, HP:0001250.

Allele frequency attached by ClinVar (database versions not stated): TOPMed 0.00002; ESP Exome Variant Server 0.00008; gnomAD exomes 0.00004 and 0.00003; ExAC 0.00002.

Submissions (3):

Ambry Genetics
Classification: Likely benign for Inborn genetic diseases. Last evaluated: 2025-04-09. Review status: criteria provided, single submitter. Criteria: Ambry Variant Classification Scheme 2023. Collection method: clinical testing. Allele origin: germline.

Labcorp Genetics (formerly Invitae), Labcorp
Classification: Uncertain significance. Last evaluated: 2024-03-07. Review status: criteria provided, single submitter. Criteria: Invitae Variant Classification Sherloc (09022015). Collection method: clinical testing. Allele origin: germline.
Comment: This sequence change replaces methionine, which is neutral and non-polar, with lysine, which is basic and polar, at codon 172 of the RORB protein (p.Met172Lys). This variant is present in population databases (rs144622748, gnomAD 0.006%). This variant has not been reported in the literature in individuals affected with RORB-related conditions. ClinVar contains an entry for this variant (Variation ID: 1352898). An algorithm developed to predict the effect of missense changes on protein structure and function (PolyPhen-2) suggests that this variant¬†is likely to be tolerated. In summary, the available evidence is currently insufficient to determine the role of this variant in disease. Therefore, it has been classified as a Variant of Uncertain Significance.

Diagnostic Laboratory, Strasbourg University Hospital
Classification: Uncertain significance for Seizure. Review status: no assertion criteria provided. Collection method: clinical testing. Allele origin: germline. Affected: yes. Observed: 1 heterozygote. Not counted in ClinVar's aggregate classification.